The following is an entry in ClinVar:

ClinVar aggregate classification (germline): Pathogenic. Review status: reviewed by expert panel (3 of 4 stars). 2 submissions from 2 submitters: Pathogenic (1). 1 of the submissions does not count toward it. Last evaluated 2016-10-18.

Conditions:
Breast-ovarian cancer, familial, susceptibility to, 1 (BROVCA1). Also called: BRCA1 Hereditary Breast and Ovarian Cancer; OVARIAN CANCER, SUSCEPTIBILITY TO. Identifiers: Orphanet 145, MedGen C2676676, MONDO:0011450, OMIM 604370. Disease mechanism: loss of function.

Submissions (2):

Evidence-based Network for the Interpretation of Germline Mutant Alleles (ENIGMA)
Classification: Pathogenic for Breast-ovarian cancer, familial, susceptibility to, 1. Last evaluated: 2016-10-18. Review status: reviewed by expert panel. Criteria: ENIGMA BRCA1/2 Classification Criteria (2015). Collection method: curation. Allele origin: germline.
Comment: Variant allele predicted to encode a truncated non-functional protein.

Consortium of Investigators of Modifiers of BRCA1/2 (CIMBA), c/o University of Cambridge
Classification: Pathogenic for Breast-ovarian cancer, familial, susceptibility to, 1. Last evaluated: 2015-10-02. Review status: criteria provided, single submitter. Criteria: CIMBA Mutation Classification guidelines May 2016. Collection method: clinical testing. Allele origin: germline. Not counted in ClinVar's aggregate classification.

NM_007294.4(BRCA1):c.3373dup (p.Ser1125fs)

Genes: BRCA1 (BRCA1 DNA repair associated; minus strand), LOC126862571 (BRD4-independent group 4 enhancer GRCh37_chr17:41243136-41244335; plus strand). Cytogenetic location: 17q21.31.
Variant type: Duplication.
Coding change: c.3373dup on transcript NM_007294.4 (MANE Select); coding-DNA position 3373, one base duplicated (T; older notation c.3373dupT).
Protein change: p.Ser1125fs; shifts the reading frame from serine 1125.
Molecular consequence: frameshift variant. On other transcripts: intron variant (137).
Genome position (GRCh38, 1-based): chr17:43,092,158, A duplicated on the plus strand (T on the coding strand, the reverse complement: BRCA1 is on the minus strand). VCF-style (leftmost placement, unchanged base first): chr17-43092157-G-GA. GRCh37 (hg19) VCF-style: chr17-41244174-G-GA.
Other names: 3492insT; c.3160dup, p.Ser1054fs (NM_001407571.1, NM_001407853.1, NM_001407894.1 and 9 more transcripts); c.3373dup, p.Ser1125fs (NM_001407581.1, NM_001407582.1, NM_001407583.1 and 30 more transcripts); c.3370dup, p.Ser1124fs (NM_001407587.1, NM_001407590.1, NM_001407591.1 and 22 more transcripts); c.3364dup, p.Ser1122fs (NM_001407646.1, NM_001407647.1); c.3250dup, p.Ser1084fs (NM_001407648.1, NM_001407664.1, NM_001407665.1 and 19 more transcripts); c.3247dup, p.Ser1083fs (NM_001407649.1, NM_001407670.1, NM_001407671.1 and 11 more transcripts); c.3295dup, p.Ser1099fs (NM_001407653.1, NM_001407654.1, NM_001407655.1 and 4 more transcripts); and 42 more; short protein forms S1078fs, S1125fs, S1014fs, S1058fs, S829fs, S957fs, S1054fs, S1055fs.
Identifiers: ClinVar variation 266361 (VCV000266361.6), dbSNP rs886040121, ClinGen allele CA10589761.